The following is an entry in ClinVar:

ClinVar aggregate classification (germline): Uncertain significance. Review status: criteria provided, multiple submitters, no conflicts (2 of 4 stars). 2 submissions from 2 submitters: Uncertain significance (2). Last evaluated 2026-05-18.

Conditions:
Osteogenesis imperfecta type I (OI1). Also called: Lobstein's Disease; OI, TYPE I; OSTEOGENESIS IMPERFECTA TARDA; OSTEOGENESIS IMPERFECTA WITH BLUE SCLERAE; Osteogenesis imperfecta type 1; Lobstein disease. Identifiers: Orphanet 216796, Orphanet 666, MedGen C0023931, MONDO:0008146, OMIM 166200. Disease mechanism: loss of function.
Ehlers-Danlos syndrome, classic type, 1 (EDSCL1). Also called: Ehlers-Danlos syndrome, type 1; EHLERS-DANLOS SYNDROME, GRAVIS TYPE; EHLERS-DANLOS SYNDROME, SEVERE CLASSIC TYPE; EDS I; Ehlers-Danlos Syndrome, Classic Type, COL5A1-Related. Identifiers: MedGen C0268335, MONDO:0019567, OMIM 130000.

Allele frequency attached by ClinVar (database versions not stated): gnomAD exomes 0.00002; TOPMed below 0.00001.
gnomAD v4.1: 24 of 1,612,654 alleles (0.0015%); highest among the groups gnomAD compares: Non-Finnish European, 0.002%; no homozygotes.

Submissions (2):

Women's Health and Genetics/Laboratory Corporation of America, LabCorp
Classification: Uncertain significance. Last evaluated: 2026-05-18. Review status: criteria provided, single submitter. Criteria: LabCorp Variant Classification Summary - May 2015. Collection method: clinical testing. Allele origin: germline.
Comment: Variant summary: COL1A2 c.639A>G (p.Thr213Thr) alters a conserved nucleotide located close to a canonical splice site and therefore could affect mRNA splicing, leading to a significantly altered protein sequence. Consensus agreement among computation tools predict no significant impact on normal splicing. However, these predictions have yet to be confirmed by functional studies. The variant was absent in 251136 control chromosomes. The available data on variant occurrences in the general population are insufficient to allow any conclusion about variant significance. To our knowledge, no occurrence of c.639A>G in individuals affected with COL1A2-related conditions and no experimental evidence demonstrating its impact on protein function have been reported. ClinVar contains an entry for this variant (Variation ID: 944055). Based on the evidence outlined above, the variant was classified as uncertain significance.

Labcorp Genetics (formerly Invitae), Labcorp
Classification: Uncertain significance for Osteogenesis imperfecta type I; Ehlers-Danlos syndrome, classic type, 1. Last evaluated: 2026-01-17. Review status: criteria provided, single submitter. Criteria: Invitae Variant Classification Sherloc (09022015). Collection method: clinical testing. Allele origin: germline.
Comment: This sequence change affects codon 213 of the COL1A2 mRNA. It is a 'silent' change, meaning that it does not change the encoded amino acid sequence of the COL1A2 protein. It affects a nucleotide within the consensus splice site. This variant is not present in population databases (gnomAD no frequency). This variant has not been reported in the literature in individuals affected with COL1A2-related conditions. ClinVar contains an entry for this variant (Variation ID: 944055). Algorithms developed to predict the effect of sequence changes on RNA splicing suggest that this variant is not likely to affect RNA splicing. In summary, the available evidence is currently insufficient to determine the role of this variant in disease. Therefore, it has been classified as a Variant of Uncertain Significance.

NM_000089.4(COL1A2):c.639A>G (p.Thr213=)

Gene: COL1A2 (collagen type I alpha 2 chain; plus strand). Cytogenetic location: 7q21.3.
Variant type: single nucleotide variant.
Coding change: c.639A>G on transcript NM_000089.4 (MANE Select); coding-DNA position 639, A replaced by G.
Protein change: p.Thr213=; no amino-acid change (threonine 213 retained).
Molecular consequence: synonymous variant.
Genome position (GRCh38, 1-based): chr7:94,407,891, A>G. VCF-style: chr7-94407891-A-G. GRCh37 (hg19) VCF-style: chr7-94037203-A-G.
Identifiers: ClinVar variation 944055 (VCV000944055.12), dbSNP rs1015392105, ClinGen allele CA162917472.